The following is an entry in ClinVar:

ClinVar aggregate classification (germline): Uncertain significance (1 of 4 stars; one submission).

Conditions:
PDX1-related disorder. Also called: PDX1-related condition; PDX1-related disorders.

Submission:

PreventionGenetics, part of Exact Sciences
Classification: Uncertain significance for PDX1-related condition. Last evaluated: 2023-09-03. Review status: criteria provided, single submitter. Criteria: ACMG Guidelines, 2015. Collection method: clinical testing. Allele origin: germline.
Comment: The PDX1 c.448C>T variant is predicted to result in the amino acid substitution p.Arg150Cys. To our knowledge, this variant has not been reported in the literature or in a large population database, indicating this variant is rare. At this time, the clinical significance of this variant is uncertain due to the absence of conclusive functional and genetic evidence.

NM_000209.4(PDX1):c.448C>T (p.Arg150Cys)

Gene: PDX1 (pancreatic and duodenal homeobox 1; plus strand). Cytogenetic location: 13q12.2.
Variant type: single nucleotide variant.
Coding change: c.448C>T on transcript NM_000209.4 (MANE Select); coding-DNA position 448, C replaced by T.
Protein change: p.Arg150Cys; replaces arginine 150 with cysteine.
Molecular consequence: missense variant.
Genome position (GRCh38, 1-based): chr13:27,924,297, C>T. VCF-style: chr13-27924297-C-T. GRCh37 (hg19) VCF-style: chr13-28498434-C-T.
Other names: short protein forms R150C.
Identifiers: ClinVar variation 2630795 (VCV002630795.1), dbSNP rs2500206125, ClinGen allele CA387645340.
Genomic context (GRCh38, chr13:27,924,297, plus strand): 5'-CGCCCTGTGTCGCCCGCAGGCGGCGCCTACGCTGCGGAGCCGGAGGAGAACAAGCGGACG[C>T]GCACGGCCTACACGCGCGCACAGCTGCTAGAGCTGGAGAAGGAGTTCCTATTCAACAAGT-3'
Protein context (NP_000200.1, residues 140-160): AAEPEENKRT[Arg150Cys]TAYTRAQLLE